The following is an entry in ClinVar:

ClinVar aggregate classification (germline): Pathogenic (1 of 4 stars; one submission).

Submission:

Labcorp Genetics (formerly Invitae), Labcorp
Classification: Pathogenic. Last evaluated: 2022-03-23. Review status: criteria provided, single submitter. Criteria: Invitae Variant Classification Sherloc (09022015). Collection method: clinical testing. Allele origin: germline.
Comment: For these reasons, this variant has been classified as Pathogenic. Algorithms developed to predict the effect of sequence changes on RNA splicing suggest that this variant may disrupt the consensus splice site. This premature translational stop signal has been observed in individual(s) with LRP2-related conditions (Invitae). This variant is not present in population databases (gnomAD no frequency). This sequence change creates a premature translational stop signal (p.Ser4554Valfs*3) in the LRP2 gene. It is expected to result in an absent or disrupted protein product. Loss-of-function variants in LRP2 are known to be pathogenic (PMID: 17632512, 25682901).

Literature cited by the submitters: PubMed 17632512; PubMed 25682901.

NM_004525.3(LRP2):c.13660del (p.Ser4554fs)

Gene: LRP2 (LDL receptor related protein 2; minus strand). Cytogenetic location: 2q31.1.
Variant type: Deletion.
Coding change: c.13660del on transcript NM_004525.3 (MANE Select); coding-DNA position 13660, one base deleted (A; older notation c.13660delA).
Protein change: p.Ser4554fs; shifts the reading frame from serine 4554.
Molecular consequence: frameshift variant.
Genome position (GRCh38, 1-based): chr2:169,132,642, T deleted on the plus strand (A on the coding strand, the reverse complement: LRP2 is on the minus strand); the first of 2 consecutive T bases (chr2:169,132,642-169,132,643); deleting either gives the same sequence. VCF-style (leftmost placement, unchanged base first): chr2-169132641-CT-C. GRCh37 (hg19) VCF-style: chr2-169989151-CT-C.
Other names: short protein forms S4554fs.
Identifiers: ClinVar variation 1454324 (VCV001454324.8), dbSNP rs2105327752, ClinGen allele CA2573133584.